The following is an entry in ClinVar:

NM_002529.4(NTRK1):c.152C>T (p.Thr51Ile)

Gene: NTRK1 (neurotrophic receptor tyrosine kinase 1; plus strand). Cytogenetic location: 1q23.1.
Variant type: single nucleotide variant.
Coding change: c.152C>T on transcript NM_002529.4 (MANE Select); coding-DNA position 152, C replaced by T.
Protein change: p.Thr51Ile; replaces threonine 51 with isoleucine.
Molecular consequence: missense variant. On other transcripts: intron variant (1).
Genome position (GRCh38, 1-based): chr1:156,861,086, C>T. VCF-style: chr1-156861086-C-T. GRCh37 (hg19) VCF-style: chr1-156830878-C-T.
Other names: c.152C>T (NM_002529.3); c.152C>T, p.Thr51Ile (NM_001012331.2); c.123-3268C>T (NM_001007792.1); short protein forms T51I.
Identifiers: ClinVar variation 642171 (VCV000642171.8), dbSNP rs376870955, ClinGen allele CA1168827.

ClinVar aggregate classification (germline): Uncertain significance. Review status: criteria provided, multiple submitters, no conflicts (2 of 4 stars). 3 submissions from 3 submitters: Uncertain significance (2). 1 of the submissions does not count toward it. Last evaluated 2026-07-01.

Conditions:
Hereditary insensitivity to pain with anhidrosis (CIPA). Also called: INSENSITIVITY TO PAIN, CONGENITAL, WITH ANHIDROSIS; HSAN Type IV; FAMILIAL DYSAUTONOMIA, TYPE II; NTRK1 Congenital Insensitivity to Pain with Anhidrosis; NEUROPATHY, CONGENITAL SENSORY, WITH ANHIDROSIS; hereditary sensory and autonomic neuropathy type 4. Identifiers: Orphanet 642, MedGen C0020074, MONDO:0009746, OMIM 256800.
NTRK1-related disorder. Also called: NTRK1-related condition.

Allele frequency attached by ClinVar (database versions not stated): gnomAD exomes 0.00003 and 0.00004; gnomAD 0.00005; TOPMed 0.00005; ExAC 0.00013; ESP Exome Variant Server 0.00016.
gnomAD v4.1: 43 of 1,581,946 alleles (0.0027%); highest among the groups gnomAD compares: Non-Finnish European, 0.0036%; no homozygotes.

Submissions (3):

PreventionGenetics, part of Exact Sciences
Classification: Uncertain significance for NTRK1-related condition. Last evaluated: 2026-07-01. Review status: criteria provided, single submitter. Criteria: ACMG Guidelines, 2015. Collection method: clinical testing. Allele origin: germline.
Comment: The NTRK1 c.152C>T variant is predicted to result in the amino acid substitution p.Thr51Ile. To our knowledge, this variant has not been reported in the literature. This variant is reported in 0.0071% of alleles in individuals of European (non-Finnish) descent in gnomAD. At this time, the clinical significance of this variant is uncertain due to the absence of conclusive functional and genetic evidence.

Labcorp Genetics (formerly Invitae), Labcorp
Classification: Uncertain significance for Hereditary insensitivity to pain with anhidrosis. Last evaluated: 2022-07-02. Review status: criteria provided, single submitter. Criteria: Invitae Variant Classification Sherloc (09022015). Collection method: clinical testing. Allele origin: germline.
Comment: This sequence change replaces threonine, which is neutral and polar, with isoleucine, which is neutral and non-polar, at codon 51 of the NTRK1 protein (p.Thr51Ile). The frequency data for this variant in the population databases is considered unreliable, as metrics indicate poor data quality at this position in the gnomAD database. This variant has not been reported in the literature in individuals affected with NTRK1-related conditions. ClinVar contains an entry for this variant (Variation ID: 642171). Advanced modeling of protein sequence and biophysical properties (such as structural, functional, and spatial information, amino acid conservation, physicochemical variation, residue mobility, and thermodynamic stability) performed at Invitae indicates that this missense variant is not expected to disrupt NTRK1 protein function. In summary, the available evidence is currently insufficient to determine the role of this variant in disease. Therefore, it has been classified as a Variant of Uncertain Significance.

Natera, Inc.
Classification: Uncertain significance for Hereditary insensitivity to pain with anhidrosis. Last evaluated: 2020-02-12. Review status: no assertion criteria provided. Collection method: clinical testing. Allele origin: germline. Not counted in ClinVar's aggregate classification.